The following is an entry in ClinVar:

ClinVar aggregate classification (germline): Pathogenic (1 of 4 stars; one submission).

Conditions:
Fanconi anemia (FA). Also called: Fanconi's anemia. Identifiers: Orphanet 84, MedGen C0015625, MeSH D005199, MONDO:0019391.

Submission:

Labcorp Genetics (formerly Invitae), Labcorp
Classification: Pathogenic for Fanconi anemia. Last evaluated: 2023-09-03. Review status: criteria provided, single submitter. Criteria: Invitae Variant Classification Sherloc (09022015). Collection method: clinical testing. Allele origin: germline.
Comment: For these reasons, this variant has been classified as Pathogenic. This variant has not been reported in the literature in individuals affected with FANCG-related conditions. This variant is not present in population databases (gnomAD no frequency). This sequence change creates a premature translational stop signal (p.Ala364Glufs*39) in the FANCG gene. It is expected to result in an absent or disrupted protein product. Loss-of-function variants in FANCG are known to be pathogenic (PMID: 12552564).

Literature cited by the submitters: PubMed 12552564.

NM_004629.2(FANCG):c.1091del (p.Ala364fs)

Gene: FANCG (FA complementation group G; minus strand). Cytogenetic location: 9p13.3.
Variant type: Deletion.
Coding change: c.1091del on transcript NM_004629.2 (MANE Select); coding-DNA position 1091, one base deleted (C; older notation c.1091delC).
Protein change: p.Ala364fs; shifts the reading frame from alanine 364.
Molecular consequence: frameshift variant.
Genome position (GRCh38, 1-based): chr9:35,076,014, G deleted on the plus strand (C on the coding strand, the reverse complement: FANCG is on the minus strand). VCF-style (leftmost placement, unchanged base first): chr9-35076013-TG-T. GRCh37 (hg19) VCF-style: chr9-35076010-TG-T.
Other names: short protein forms A364fs.
Identifiers: ClinVar variation 2757394 (VCV002757394.3), dbSNP rs2490399665, ClinGen allele CA2697557740.